The following is an entry in ClinVar:

NM_000038.6(APC):c.730-8C>T

Gene: APC (APC regulator of Wnt signaling pathway; plus strand). Cytogenetic location: 5q22.2.
Variant type: single nucleotide variant.
Coding change: c.730-8C>T on transcript NM_000038.6 (MANE Select); 8 bases into the intron before coding-DNA position 730, C replaced by T.
Molecular consequence: intron variant.
Genome position (GRCh38, 1-based): chr5:112,801,271, C>T. VCF-style: chr5-112801271-C-T. GRCh37 (hg19) VCF-style: chr5-112136968-C-T.
Other names: c.730-8C>T (NM_001354895.2, NM_001127510.3, NM_001354896.2 and 1 more transcripts); c.760-8C>T (NM_001354897.2, NM_001354902.2); c.676-8C>T (NM_001127511.3); c.655-8C>T (NM_001354898.2, NM_001354904.2); c.-306-8C>T (NM_001354906.2); c.646-8C>T (NM_001354899.2); c.553-8C>T (NM_001354900.2, NM_001354901.2, NM_001354905.2).
Identifiers: ClinVar variation 1572342 (VCV001572342.9), dbSNP rs1760786666, ClinGen allele CA2573138904.

ClinVar aggregate classification (germline): Likely benign. Review status: criteria provided, multiple submitters, no conflicts (2 of 4 stars). 2 submissions from 2 submitters: Likely benign (2). Last evaluated 2025-02-05.

Conditions:
Familial adenomatous polyposis 1 (FAP1). Also called: FAMILIAL ADENOMATOUS POLYPOSIS 1, ATTENUATED; POLYPOSIS, ADENOMATOUS INTESTINAL. Identifiers: MedGen C2713442, MONDO:0021056, OMIM 175100. Disease mechanism: loss of function.

Submissions (2):

Labcorp Genetics (formerly Invitae), Labcorp
Classification: Likely benign for Familial adenomatous polyposis 1. Last evaluated: 2025-02-05. Review status: criteria provided, single submitter. Criteria: Invitae Variant Classification Sherloc (09022015). Collection method: clinical testing. Allele origin: germline.

Myriad Genetics, Inc.
Classification: Likely benign for Familial adenomatous polyposis 1. Last evaluated: 2024-02-26. Review status: criteria provided, single submitter. Criteria: Myriad Autosomal Dominant, Autosomal Recessive and X-Linked Classification Criteria (2023). Collection method: clinical testing. Allele origin: unknown.
Comment: This variant is considered likely benign. This variant is intronic and is not expected to impact mRNA splicing.